The following is an entry in ClinVar:

ClinVar aggregate classification (germline): Uncertain significance. Review status: criteria provided, multiple submitters, no conflicts (2 of 4 stars). 12 submissions from 12 submitters: Uncertain significance (7). 5 of the submissions do not count toward it. Last evaluated 2025-10-19.

Conditions:
Cardiovascular phenotype. Identifiers: MedGen CN230736.
Atrial septal defect 3 (ASD3). Identifiers: Orphanet 1478, MedGen C3279790, MONDO:0013567, OMIM 614089.
Dilated cardiomyopathy 1EE (CMD1EE). Identifiers: Orphanet 154, MedGen C2750466, MONDO:0013198, OMIM 613252.
Sick sinus syndrome 3, susceptibility to (SSS3). Identifiers: Orphanet 166282, MedGen C3279791, MONDO:0013568, OMIM 614090.
Hypertrophic cardiomyopathy 14. Identifiers: MedGen C2750467, MONDO:0013197, OMIM 613251.
Hypertrophic cardiomyopathy 1 (CMH1). Also called: Familial hypertrophic cardiomyopathy 1; MYH7-Related Familial Hypertrophic Cardiomyopathy. Identifiers: MedGen C3495498, MONDO:0008647, OMIM 192600.
Cardiomyopathy (CMYO). Also called: Cardiomyopathies. Identifiers: Orphanet 167848, MedGen C0878544, MONDO:0004994, HP:0001638. Inheritance: Various modes of inheritance.

Allele frequency attached by ClinVar (database versions not stated): TOPMed 0.00007; ESP Exome Variant Server 0.00015.
gnomAD v4.1: 110 of 1,613,644 alleles (0.0068%); highest among the groups gnomAD compares: Non-Finnish European, 0.0089%; no homozygotes.

Submissions (12):

Labcorp Genetics (formerly Invitae), Labcorp
Classification: Uncertain significance for Hypertrophic cardiomyopathy 14. Last evaluated: 2025-10-19. Review status: criteria provided, single submitter. Criteria: Invitae Variant Classification Sherloc (09022015). Collection method: clinical testing. Allele origin: germline.
Comment: This sequence change replaces alanine, which is neutral and non-polar, with glycine, which is neutral and non-polar, at codon 336 of the MYH6 protein (p.Ala336Gly). This variant is present in population databases (rs138572790, gnomAD 0.02%). This missense change has been observed in individual(s) with MYH6-related conditions (PMID: 25163546, 39596649). ClinVar contains an entry for this variant (Variation ID: 312879). Invitae Evidence Modeling of protein sequence and biophysical properties (such as structural, functional, and spatial information, amino acid conservation, physicochemical variation, residue mobility, and thermodynamic stability) indicates that this missense variant is not expected to disrupt MYH6 protein function with a negative predictive value of 80%. In summary, the available evidence is currently insufficient to determine the role of this variant in disease. Therefore, it has been classified as a Variant of Uncertain Significance.

Revvity Omics, Revvity
Classification: Uncertain significance. Last evaluated: 2025-01-21. Review status: criteria provided, single submitter. Criteria: ACMG Guidelines, 2015. Collection method: clinical testing. Allele origin: germline.

GeneDx
Classification: Uncertain significance. Last evaluated: 2024-03-12. Review status: criteria provided, single submitter. Criteria: GeneDx Variant Classification Process June 2021. Collection method: clinical testing. Allele origin: germline. Affected: yes.
Comment: Identified in patients with cardiomyopathy in the published literature (PMID: 25163546, 28771489); at least one patient harbored an additional cardiogenetic variant; In silico analysis supports that this missense variant has a deleterious effect on protein structure/function; This variant is associated with the following publications: (PMID: 28771489, Yalntepe2020[CaseReport], 25163546, 30847666)

Ambry Genetics
Classification: Uncertain significance for Cardiovascular phenotype. Last evaluated: 2023-11-08. Review status: criteria provided, single submitter. Criteria: Ambry Variant Classification Scheme 2023. Collection method: clinical testing. Allele origin: germline.
Comment: The p.A336G variant (also known as c.1007C>G), located in coding exon 10 of the MYH6 gene, results from a C to G substitution at nucleotide position 1007. The alanine at codon 336 is replaced by glycine, an amino acid with similar properties. This alteration has been reported in cardiac genetic testing cohorts; however, clinical details were limited, and additional cardiac-related alterations were detected in some cases (Haas J et al. Eur Heart J, 2015 May;36:1123-35a; Mademont-Soler I et al. PLoS One, 2017 Aug;12:e0181465; van Lint FHM et al. Neth Heart J, 2019 Jun;27:304-309). This amino acid position is highly conserved in available vertebrate species. In addition, this alteration is predicted to be deleterious by in silico analysis. Since supporting evidence is limited at this time, the clinical significance of this alteration remains unclear.

MGZ Medical Genetics Center
Classification: Uncertain significance for Dilated cardiomyopathy 1EE. Last evaluated: 2021-08-23. Review status: criteria provided, single submitter. Criteria: ACMG Guidelines, 2015. Collection method: clinical testing. Allele origin: germline. Affected: yes. Observed: 1 variant allele.
Comment: ACMG criteria applied: PM2_SUP, PP3

Fulgent Genetics
Classification: Uncertain significance for Hypertrophic cardiomyopathy 1; Hypertrophic cardiomyopathy 14; Dilated cardiomyopathy 1EE; Atrial septal defect 3; Sick sinus syndrome 3, susceptibility to. Last evaluated: 2021-08-12. Review status: criteria provided, single submitter. Criteria: ACMG Guidelines, 2015. Collection method: clinical testing. Allele origin: unknown.

CHEO Genetics Diagnostic Laboratory, Children's Hospital of Eastern Ontario
Classification: Uncertain significance for Cardiomyopathy. Last evaluated: 2017-03-01. Review status: criteria provided, single submitter. Criteria: ACMG Guidelines, 2015. Collection method: clinical testing. Allele origin: germline. Study: Canadian Open Genetics Repository.

Clinical Genetics DNA and cytogenetics Diagnostics Lab, Erasmus MC, Erasmus Medical Center
Classification: Uncertain significance. Review status: no assertion criteria provided. Collection method: clinical testing. Allele origin: germline. Affected: yes. Study: VKGL Data-share Consensus. Not counted in ClinVar's aggregate classification.

Clinical Genetics, Academic Medical Center
Classification: Uncertain significance. Review status: no assertion criteria provided. Collection method: clinical testing. Allele origin: germline. Affected: yes. Study: VKGL Data-share Consensus. Not counted in ClinVar's aggregate classification.

Diagnostic Laboratory, Department of Genetics, University Medical Center Groningen
Classification: Uncertain significance. Review status: no assertion criteria provided. Collection method: clinical testing. Allele origin: germline. Affected: yes. Study: VKGL Data-share Consensus. Not counted in ClinVar's aggregate classification.

Genome Diagnostics Laboratory, University Medical Center Utrecht
Classification: Uncertain significance. Review status: no assertion criteria provided. Collection method: clinical testing. Allele origin: germline. Affected: yes. Study: VKGL Data-share Consensus. Not counted in ClinVar's aggregate classification.

Joint Genome Diagnostic Labs from Nijmegen and Maastricht, Radboudumc and MUMC+
Classification: Uncertain significance. Review status: no assertion criteria provided. Collection method: clinical testing. Allele origin: germline. Affected: yes. Study: VKGL Data-share Consensus. Not counted in ClinVar's aggregate classification.

Literature cited by the submitters: PubMed 25163546 (cited by Labcorp Genetics (formerly Invitae), Labcorp and Ambry Genetics); PubMed 39596649 (cited by Labcorp Genetics (formerly Invitae), Labcorp); PubMed 28771489 (cited by Ambry Genetics); PubMed 30847666 (cited by Ambry Genetics).

NM_002471.4(MYH6):c.1007C>G (p.Ala336Gly)

Gene: MYH6 (myosin heavy chain 6; minus strand). Cytogenetic location: 14q11.2.
Variant type: single nucleotide variant.
Coding change: c.1007C>G on transcript NM_002471.4 (MANE Select); coding-DNA position 1007, C replaced by G.
Protein change: p.Ala336Gly; replaces alanine 336 with glycine.
Molecular consequence: missense variant.
Genome position (GRCh38, 1-based): chr14:23,402,598, G>C on the plus strand (C>G on the coding strand, the complement: MYH6 is on the minus strand). VCF-style: chr14-23402598-G-C. GRCh37 (hg19) VCF-style: chr14-23871807-G-C.
Other names: short protein forms A336G.
Identifiers: ClinVar variation 312879 (VCV000312879.27), dbSNP rs138572790, ClinGen allele CA7115918.